The following is an entry in ClinVar:

NM_001111.5(ADAR):c.3076C>T (p.Arg1026Trp)

Gene: ADAR (adenosine deaminase RNA specific; minus strand). Cytogenetic location: 1q21.3.
Variant type: single nucleotide variant.
Coding change: c.3076C>T on transcript NM_001111.5 (MANE Select); coding-DNA position 3076, C replaced by T.
Protein change: p.Arg1026Trp; replaces arginine 1026 with tryptophan.
Molecular consequence: missense variant.
Genome position (GRCh38, 1-based): chr1:154,586,307, G>A on the plus strand (C>T on the coding strand, the complement: ADAR is on the minus strand). VCF-style: chr1-154586307-G-A. GRCh37 (hg19) VCF-style: chr1-154558783-G-A.
Other names: c.2191C>T, p.Arg731Trp (NM_001025107.3, NM_001193495.2, NM_001365046.1 and 2 more transcripts); c.3103C>T, p.Arg1035Trp (NM_001365045.1); c.2113C>T, p.Arg705Trp (NM_001365049.1); c.2998C>T, p.Arg1000Trp (NM_015840.4); c.2941C>T, p.Arg981Trp (NM_015841.4); short protein forms R705W, R981W, R731W, R1000W, R1026W, R1035W.
Identifiers: ClinVar variation 2235833 (VCV002235833.5), dbSNP rs374300359, ClinGen allele CA1131056.

ClinVar aggregate classification (germline): Uncertain significance. Review status: criteria provided, multiple submitters, no conflicts (2 of 4 stars). 2 submissions from 2 submitters: Uncertain significance (2). Last evaluated 2024-07-29.

Conditions:
Symmetrical dyschromatosis of extremities (DSH). Also called: RETICULATE ACROPIGMENTATION OF DOHI; SYMMETRIC DYSCHROMATOSIS OF THE EXTREMITIES; Dyschromatosis symmetrica hereditaria; DYSCHROMATOSIS SYMMETRICA HEREDITARIA 1. Identifiers: Orphanet 41, MedGen C0406775, MONDO:0007483, OMIM 127400.
Aicardi-Goutieres syndrome 6 (AGS6). Identifiers: Orphanet 51, MedGen C3539013, MONDO:0014007, OMIM 615010.
Inborn genetic diseases. Identifiers: MedGen C0950123, MeSH D030342.

Allele frequency attached by ClinVar (database versions not stated): gnomAD exomes below 0.00001; gnomAD 0.00001; TOPMed 0.00001; ExAC 0.00002; ESP Exome Variant Server 0.00008.
gnomAD v4.1: 5 of 1,614,182 alleles (0.00031%); highest among the groups gnomAD compares: East Asian, 0.0022%; no homozygotes.

Submissions (2):

Labcorp Genetics (formerly Invitae), Labcorp
Classification: Uncertain significance for Aicardi-Goutieres syndrome 6; Symmetrical dyschromatosis of extremities. Last evaluated: 2024-07-29. Review status: criteria provided, single submitter. Criteria: Invitae Variant Classification Sherloc (09022015). Collection method: clinical testing. Allele origin: germline.
Comment: This sequence change replaces arginine, which is basic and polar, with tryptophan, which is neutral and slightly polar, at codon 1026 of the ADAR protein (p.Arg1026Trp). This variant is present in population databases (rs374300359, gnomAD 0.007%). This missense change has been observed in individual(s) with dyschromatosis symmetrica hereditaria (PMID: 20300939). ClinVar contains an entry for this variant (Variation ID: 2235833). Advanced modeling of protein sequence and biophysical properties (such as structural, functional, and spatial information, amino acid conservation, physicochemical variation, residue mobility, and thermodynamic stability) performed at Invitae indicates that this missense variant is not expected to disrupt ADAR protein function with a negative predictive value of 80%. In summary, the available evidence is currently insufficient to determine the role of this variant in disease. Therefore, it has been classified as a Variant of Uncertain Significance.

Ambry Genetics
Classification: Uncertain significance for Inborn genetic diseases. Last evaluated: 2021-08-09. Review status: criteria provided, single submitter. Criteria: Ambry Variant Classification Scheme 2023. Collection method: clinical testing. Allele origin: germline.
Comment: (Li, 2010) Based on insufficient or conflicting evidence, the clinical significance of this alteration remains unclear.

Literature cited by the submitters: PubMed 20300939 (cited by Labcorp Genetics (formerly Invitae), Labcorp and Ambry Genetics).